The following is an entry in ClinVar:

NM_016111.4(TELO2):c.466C>G (p.Leu156Val)

Gene: TELO2 (telomere maintenance 2; plus strand). Cytogenetic location: 16p13.3.
Variant type: single nucleotide variant.
Coding change: c.466C>G on transcript NM_016111.4 (MANE Select); coding-DNA position 466, C replaced by G.
Protein change: p.Leu156Val; replaces leucine 156 with valine.
Molecular consequence: missense variant.
Genome position (GRCh38, 1-based): chr16:1,495,476, C>G. VCF-style: chr16-1495476-C-G. GRCh37 (hg19) VCF-style: chr16-1545477-C-G.
Other names: c.466C>G, p.Leu156Val (NM_001351846.2); short protein forms L156V.
Identifiers: ClinVar variation 2627255 (VCV002627255.1), dbSNP rs1311418590, ClinGen allele CA394207209.

ClinVar aggregate classification (germline): Uncertain significance (1 of 4 stars; one submission).

Allele frequency attached by ClinVar (database versions not stated): gnomAD exomes below 0.00001.
gnomAD v4.1: 1 of 1,610,652 alleles (0.000062%); highest among the groups gnomAD compares: South Asian, 0.0011%; no homozygotes.

Submission:

Women's Health and Genetics/Laboratory Corporation of America, LabCorp
Classification: Uncertain significance. Last evaluated: 2023-09-15. Review status: criteria provided, single submitter. Criteria: LabCorp Variant Classification Summary - May 2015. Collection method: clinical testing. Allele origin: germline.
Comment: Variant summary: TELO2 c.466C>G (p.Leu156Val) results in a conservative amino acid change in the encoded protein sequence. Five of five in-silico tools predict a benign effect of the variant on protein function. The variant allele was found at a frequency of 4.1e-06 in 242590 control chromosomes (gnomAD). The available data on variant occurrences in the general population are insufficient to allow any conclusion about variant significance. To our knowledge, no occurrence of c.466C>G in individuals affected with TELO2-Related Intellectual Disability-Neurodevelopmental Disorder and no experimental evidence demonstrating its impact on protein function have been reported. No submitters have cited clinical-significance assessments for this variant to ClinVar after 2014. Based on the evidence outlined above, the variant was classified as uncertain significance.